The following is an entry in ClinVar:

ClinVar aggregate classification (germline): Conflicting classifications of pathogenicity. Review status: criteria provided, conflicting classifications (1 of 4 stars). 3 submissions from 3 submitters: Likely pathogenic (1); Uncertain significance (1). 1 of the submissions does not count toward it. Last evaluated 2026-01-27.

Conditions:
CRYGC-related disorders.
CRYGC-related disorder. Also called: CRYGC-related condition.
Nuclear pulverulent cataract (CTRCT2). Identifiers: MedGen C1852438, HP:0010698.

Submissions (3):

Labcorp Genetics (formerly Invitae), Labcorp
Classification: Uncertain significance for Nuclear pulverulent cataract. Last evaluated: 2026-01-27. Review status: criteria provided, single submitter. Criteria: Invitae Variant Classification Sherloc (09022015). Collection method: clinical testing. Allele origin: germline.
Comment: This sequence change creates a premature translational stop signal (p.Ala159Glyfs*5) in the CRYGC gene. While this is not anticipated to result in nonsense mediated decay, it is expected to disrupt the last 16 amino acid(s) of the CRYGC protein. This variant is not present in population databases (gnomAD no frequency). This variant has not been reported in the literature in individuals affected with CRYGC-related conditions. ClinVar contains an entry for this variant (Variation ID: 2856619). Experimental studies and prediction algorithms are not available or were not evaluated, and the functional significance of this variant is currently unknown. In summary, the available evidence is currently insufficient to determine the role of this variant in disease. Therefore, it has been classified as a Variant of Uncertain Significance.

Blueprint Genetics
Classification: Likely pathogenic for CRYGC-related disorders. Last evaluated: 2021-10-29. Review status: criteria provided, single submitter. Criteria: ACMG Guidelines, 2015. Collection method: clinical testing. Allele origin: germline. Affected: yes. Observed: 2 variant alleles.

PreventionGenetics, part of Exact Sciences
Classification: Pathogenic for CRYGC-related condition. Last evaluated: 2023-10-30. Review status: no assertion criteria provided. Collection method: clinical testing. Allele origin: germline. Not counted in ClinVar's aggregate classification.
Comment: The CRYGC c.475dupG variant is predicted to result in a frameshift and premature protein termination (p.Ala159Glyfs*5). This variant occurs within the terminal exon of the CRYGC gene, near the stop codon. To our knowledge, this variant has not been reported in the literature or in a large population database, indicating this variant is rare. Frameshift variants in CRYGC are expected to be pathogenic and have been documented both up- and downstream of amino acid 159 in individuals with cataracts (Human Gene Mutation Database). This variant is interpreted as pathogenic.

NM_020989.4(CRYGC):c.475dup (p.Ala159fs)

Genes: CRYGC (crystallin gamma C; minus strand), LOC100507443 (uncharacterized LOC100507443; plus strand). Cytogenetic location: 2q33.3.
Variant type: Duplication.
Coding change: c.475dup on transcript NM_020989.4 (MANE Select); coding-DNA position 475, one base duplicated (G; older notation c.475dupG).
Protein change: p.Ala159fs; shifts the reading frame from alanine 159.
Molecular consequence: frameshift variant.
Genome position (GRCh38, 1-based): chr2:208,128,253, C duplicated on the plus strand (G on the coding strand, the reverse complement: CRYGC is on the minus strand); the first of 6 consecutive C bases (chr2:208,128,253-208,128,258); duplicating any one gives the same sequence. VCF-style (leftmost placement, unchanged base first): chr2-208128252-G-GC. GRCh37 (hg19) VCF-style: chr2-208992976-G-GC.
Other names: c.475dupG (NM_020989.3); short protein forms A159fs.
Identifiers: ClinVar variation 2856619 (VCV002856619.6), dbSNP rs1271901479, ClinGen allele CA645539149.